The following is an entry in ClinVar:

ClinVar aggregate classification (germline): Uncertain significance. Review status: criteria provided, multiple submitters, no conflicts (2 of 4 stars). 2 submissions from 2 submitters: Uncertain significance (2). Last evaluated 2024-08-28.

Conditions:
Tietz syndrome (TADS). Also called: HYPOPIGMENTATION/DEAFNESS OF TIETZ; TIETZ ALBINISM-DEAFNESS SYNDROME; ALBINISM-DEAFNESS OF TIETZ. Identifiers: Orphanet 42665, MedGen C0391816, MONDO:0007077, OMIM 103500.
Waardenburg syndrome type 2A (WS2A). Also called: WAARDENBURG SYNDROME WITHOUT DYSTOPIA CANTHORUM. Identifiers: Orphanet 3440, MedGen C1860339, MONDO:0008671, OMIM 193510.
Melanoma, cutaneous malignant, susceptibility to, 8. Also called: MELANOMA AND RENAL CELL CARCINOMA, SUSCEPTIBILITY TO; Cutaneous malignant melanoma 8. Identifiers: Orphanet 293822, MedGen C3152204, MONDO:0013759, OMIM 614456.

Allele frequency attached by ClinVar (database versions not stated): gnomAD exomes 0.00001.
gnomAD v4.1: 13 of 1,614,088 alleles (0.00081%); highest among the groups gnomAD compares: Non-Finnish European, 0.0011%; no homozygotes.

Submissions (2):

Labcorp Genetics (formerly Invitae), Labcorp
Classification: Uncertain significance for Melanoma, cutaneous malignant, susceptibility to, 8; Waardenburg syndrome type 2A; Tietz syndrome. Last evaluated: 2024-08-28. Review status: criteria provided, single submitter. Criteria: Invitae Variant Classification Sherloc (09022015). Collection method: clinical testing. Allele origin: germline.
Comment: This sequence change replaces asparagine, which is neutral and polar, with aspartic acid, which is acidic and polar, at codon 352 of the MITF protein (p.Asn352Asp). This variant is present in population databases (no rsID available, gnomAD 0.0009%). This variant has not been reported in the literature in individuals affected with MITF-related conditions. ClinVar contains an entry for this variant (Variation ID: 2113893). Invitae Evidence Modeling of protein sequence and biophysical properties (such as structural, functional, and spatial information, amino acid conservation, physicochemical variation, residue mobility, and thermodynamic stability) indicates that this missense variant is not expected to disrupt MITF protein function with a negative predictive value of 80%. In summary, the available evidence is currently insufficient to determine the role of this variant in disease. Therefore, it has been classified as a Variant of Uncertain Significance.

GeneDx
Classification: Uncertain significance. Last evaluated: 2022-09-15. Review status: criteria provided, single submitter. Criteria: GeneDx Variant Classification Process June 2021. Collection method: clinical testing. Allele origin: germline. Affected: yes.
Comment: Not observed at significant frequency in large population cohorts (gnomAD); In silico analysis supports that this missense variant does not alter protein structure/function; Has not been previously published as pathogenic or benign to our knowledge

NM_001354604.2(MITF):c.1375A>G (p.Asn459Asp)

Gene: MITF (melanocyte inducing transcription factor; plus strand). Cytogenetic location: 3p13.
Variant type: single nucleotide variant.
Coding change: c.1375A>G on transcript NM_001354604.2 (MANE Select); coding-DNA position 1375, A replaced by G.
Protein change: p.Asn459Asp; replaces asparagine 459 with aspartic acid.
Molecular consequence: missense variant.
Genome position (GRCh38, 1-based): chr3:69,965,042, A>G. VCF-style: chr3-69965042-A-G. GRCh37 (hg19) VCF-style: chr3-70014193-A-G.
Other names: c.1054A>G, p.Asn352Asp (NM_000248.4); c.1201A>G, p.Asn401Asp (NM_001184967.2, NM_001354608.2); c.1372A>G, p.Asn458Asp (NM_001354605.2); c.1354A>G, p.Asn452Asp (NM_001354606.2, NM_006722.3); c.1306A>G, p.Asn436Asp (NM_001354607.2); c.1036A>G, p.Asn346Asp (NM_198158.3); c.1357A>G, p.Asn453Asp (NM_198159.3); c.1309A>G, p.Asn437Asp (NM_198177.3); and 1 more; short protein forms N437D, N452D, N401D, N290D, N346D, N352D, N453D, N458D.
Identifiers: ClinVar variation 2113893 (VCV002113893.4), dbSNP rs1196796728, ClinGen allele CA353559716.